The following is an entry in ClinVar:

NM_002691.4(POLD1):c.2718-18C>T

Gene: POLD1 (DNA polymerase delta 1, catalytic subunit; plus strand). Cytogenetic location: 19q13.33.
Variant type: single nucleotide variant.
Coding change: c.2718-18C>T on transcript NM_002691.4 (MANE Select); 18 bases into the intron before coding-DNA position 2718, C replaced by T.
Molecular consequence: intron variant.
Genome position (GRCh38, 1-based): chr19:50,415,706, C>T. VCF-style: chr19-50415706-C-T. GRCh37 (hg19) VCF-style: chr19-50918963-C-T.
Other names: c.2718-18C>T (NM_001256849.1, LRG_785t1); c.2796-18C>T (NM_001308632.1, LRG_785t2).
Identifiers: ClinVar variation 514045 (VCV000514045.1), dbSNP rs1555793122, ClinGen allele CA658799272.
Genomic context (GRCh38, chr19:50,415,706, plus strand): 5'-GGGCCCACTTCCTACACCCTCGCCCCCACCCCCGCCACCCACCTGCCCTCACCCACCCGC[C>T]ACCCCATCTCCACGCAGGATGAGGAAGCGGGACCCCGGGAGTGCGCCCAGCCTGGGCGAC-3'

ClinVar aggregate classification (germline): Likely benign (1 of 4 stars; one submission).

Submission:

GeneDx
Classification: Likely benign. Last evaluated: 2017-12-06. Review status: criteria provided, single submitter. Criteria: GeneDx Variant Classification (06012015). Collection method: clinical testing. Allele origin: germline. Affected: yes.
Comment: This variant is considered likely benign or benign based on one or more of the following criteria: it is a conservative change, it occurs at a poorly conserved position in the protein, it is predicted to be benign by multiple in silico algorithms, and/or has population frequency not consistent with disease.